The following is an entry in ClinVar:

NM_020374.4(FERRY3):c.169A>C (p.Ile57Leu)

Gene: FERRY3 (FERRY endosomal RAB5 effector complex subunit 3; minus strand). Cytogenetic location: 12p13.32.
Variant type: single nucleotide variant.
Coding change: c.169A>C on transcript NM_020374.4 (MANE Select); coding-DNA position 169, A replaced by C.
Protein change: p.Ile57Leu; replaces isoleucine 57 with leucine.
Molecular consequence: missense variant. On other transcripts: non-coding transcript variant (2), intron variant (3).
Genome position (GRCh38, 1-based): chr12:4,536,026, T>G on the plus strand (A>C on the coding strand, the complement: FERRY3 is on the minus strand). VCF-style: chr12-4536026-T-G. GRCh37 (hg19) VCF-style: chr12-4645192-T-G.
Other names: c.169A>C, p.Ile57Leu (NM_001304811.2, NM_001346153.2, NM_001346155.2); c.-567-1724A>C (NM_001352962.2); c.-341-1724A>C (NM_001346157.2, NM_001346156.2); short protein forms I57L.
Identifiers: ClinVar variation 3364114 (VCV003364114.1).
Genomic context (GRCh38, chr12:4,536,026, plus strand): 5'-ACTATTGAAACTAATAAAGTGGTGTTACTTAAAAAAAAAAACAGTCCTCACCTTTTTCTA[T>G]AAAGCACGGTAAACTGTGCAGCAGCATCAGACGTCCATGCAAATGACTGGCATTCTCTTG-3'
Protein context (NP_065107.1, residues 47-67): LMLLHSLPCF[Ile57Leu]EKDLKEALTQ

ClinVar aggregate classification (germline): Uncertain significance (1 of 4 stars; one submission).

gnomAD v4.1: 14 of 1,557,856 alleles (0.0009%); highest among the groups gnomAD compares: Non-Finnish European, 0.0012%; no homozygotes.

Submission:

GeneDx
Classification: Uncertain significance. Last evaluated: 2023-12-03. Review status: criteria provided, single submitter. Criteria: GeneDx Variant Classification Process June 2021. Collection method: clinical testing. Allele origin: germline. Affected: yes.
Comment: Not observed at significant frequency in large population cohorts (gnomAD); In silico analysis supports that this missense variant does not alter protein structure/function; Has not been previously published as pathogenic or benign to our knowledge